The following is an entry in ClinVar:

NM_000222.3(KIT):c.1025A>T (p.Lys342Ile)

Gene: KIT (KIT proto-oncogene, receptor tyrosine kinase; plus strand). Cytogenetic location: 4q12.
Variant type: single nucleotide variant.
Coding change: c.1025A>T on transcript NM_000222.3 (MANE Select); coding-DNA position 1025, A replaced by T.
Protein change: p.Lys342Ile; replaces lysine 342 with isoleucine.
Molecular consequence: missense variant.
Genome position (GRCh38, 1-based): chr4:54,707,197, A>T. VCF-style: chr4-54707197-A-T. GRCh37 (hg19) VCF-style: chr4-55573363-A-T.
Other names: c.1025A>T, p.Lys342Ile (NM_001093772.2, NM_001385285.1, NM_001385286.1); c.1028A>T, p.Lys343Ile (NM_001385284.1, NM_001385288.1, NM_001385290.1 and 1 more transcripts); short protein forms K343I, K342I.
Identifiers: ClinVar variation 1520173 (VCV001520173.8), dbSNP rs1720843061, ClinGen allele CA356900988.

ClinVar aggregate classification (germline): Uncertain significance (1 of 4 stars; one submission).

Conditions:
Gastrointestinal stromal tumor. Also called: Gastrointestinal stromal tumor, somatic; Gastrointestinal stroma tumor. Identifiers: Orphanet 44890, MedGen C0238198, MeSH D046152, MONDO:0011719, OMIM 606764, HP:0100723.

Submission:

Labcorp Genetics (formerly Invitae), Labcorp
Classification: Uncertain significance for Gastrointestinal stromal tumor. Last evaluated: 2021-03-26. Review status: criteria provided, single submitter. Criteria: Invitae Variant Classification Sherloc (09022015). Collection method: clinical testing. Allele origin: germline.
Comment: This variant has not been reported in the literature in individuals with KIT-related conditions. This sequence change replaces lysine with isoleucine at codon 342 of the KIT protein (p.Lys342Ile). The lysine residue is highly conserved and there is a moderate physicochemical difference between lysine and isoleucine. This variant is not present in population databases (ExAC no frequency). Algorithms developed to predict the effect of missense changes on protein structure and function are either unavailable or do not agree on the potential impact of this missense change (SIFT: "Deleterious"; PolyPhen-2: "Benign"; Align-GVGD: "Class C25"). In summary, the available evidence is currently insufficient to determine the role of this variant in disease. Therefore, it has been classified as a Variant of Uncertain Significance.